The following is an entry in ClinVar:

NM_000124.4(ERCC6):c.1507C>G (p.Leu503Val)

Gene: ERCC6 (ERCC excision repair 6, chromatin remodeling factor; minus strand). Cytogenetic location: 10q11.23.
Variant type: single nucleotide variant.
Coding change: c.1507C>G on transcript NM_000124.4 (MANE Select); coding-DNA position 1507, C replaced by G.
Protein change: p.Leu503Val; replaces leucine 503 with valine.
Molecular consequence: missense variant.
Genome position (GRCh38, 1-based): chr10:49,505,903, G>C on the plus strand (C>G on the coding strand, the complement: ERCC6 is on the minus strand). VCF-style: chr10-49505903-G-C. GRCh37 (hg19) VCF-style: chr10-50713949-G-C.
Other names: c.1507C>G, p.Leu503Val (NM_001346440.2); short protein forms L503V.
Identifiers: ClinVar variation 2112253 (VCV002112253.4), dbSNP rs1481516583, ClinGen allele CA376729751.

ClinVar aggregate classification (germline): Uncertain significance (1 of 4 stars; one submission).

gnomAD v4.1: 1 of 1,613,286 alleles (0.000062%); highest among the groups gnomAD compares: Admixed American, 0.0017%; no homozygotes.

Submission:

Labcorp Genetics (formerly Invitae), Labcorp
Classification: Uncertain significance. Last evaluated: 2022-08-06. Review status: criteria provided, single submitter. Criteria: Invitae Variant Classification Sherloc (09022015). Collection method: clinical testing. Allele origin: germline.
Comment: In summary, the available evidence is currently insufficient to determine the role of this variant in disease. Therefore, it has been classified as a Variant of Uncertain Significance. Algorithms developed to predict the effect of missense changes on protein structure and function are either unavailable or do not agree on the potential impact of this missense change (SIFT: "Deleterious"; PolyPhen-2: "Benign"; Align-GVGD: "Class C25"). This variant has not been reported in the literature in individuals affected with ERCC6-related conditions. This variant is present in population databases (no rsID available, gnomAD 0.003%). This sequence change replaces leucine, which is neutral and non-polar, with valine, which is neutral and non-polar, at codon 503 of the ERCC6 protein (p.Leu503Val).